The following is an entry in ClinVar:

ClinVar aggregate classification (germline): Conflicting classifications of pathogenicity. Review status: criteria provided, conflicting classifications (1 of 4 stars). 2 submissions from 2 submitters: Uncertain significance (1); Likely benign (1). Last evaluated 2025-07-09.

Conditions:
CACNA1S-related disorder. Also called: CACNA1S-related condition.
Hypokalemic periodic paralysis, type 1. Also called: HypoPP; Hypokalemic Periodic Paralysis Type 1 (AD). Identifiers: Orphanet 681, MedGen C3714580, MONDO:0042979, OMIM 170400.
Malignant hyperthermia, susceptibility to, 5 (MHS5). Also called: CACNA1S-Related Malignant Hyperthermia Susceptibility. Identifiers: Orphanet 423, MedGen C1866077, MONDO:0011163, OMIM 601887.

Submissions (2):

Labcorp Genetics (formerly Invitae), Labcorp
Classification: Uncertain significance for Hypokalemic periodic paralysis, type 1; Malignant hyperthermia, susceptibility to, 5. Last evaluated: 2025-07-09. Review status: criteria provided, single submitter. Criteria: Invitae Variant Classification Sherloc (09022015). Collection method: clinical testing. Allele origin: germline.
Comment: This sequence change falls in intron 2 of the CACNA1S gene. It does not directly change the encoded amino acid sequence of the CACNA1S protein. It affects a nucleotide within the consensus splice site. This variant is not present in population databases (gnomAD no frequency). This variant has not been reported in the literature in individuals affected with CACNA1S-related conditions. Variants that disrupt the consensus splice site are a relatively common cause of aberrant splicing (PMID: 17576681, 9536098). Algorithms developed to predict the effect of sequence changes on RNA splicing suggest that this variant is not likely to affect RNA splicing. In summary, the available evidence is currently insufficient to determine the role of this variant in disease. Therefore, it has been classified as a Variant of Uncertain Significance.

PreventionGenetics, part of Exact Sciences
Classification: Likely benign for CACNA1S-related condition. Last evaluated: 2025-04-12. Review status: criteria provided, single submitter. Criteria: ACMG Guidelines, 2015. Collection method: clinical testing. Allele origin: germline.
Comment: This variant is classified as likely benign based on ACMG/AMP sequence variant interpretation guidelines (Richards et al. 2015 PMID: 25741868, with internal and published modifications).

Literature cited by the submitters: PubMed 17576681 (cited by Labcorp Genetics (formerly Invitae), Labcorp); PubMed 9536098 (cited by Labcorp Genetics (formerly Invitae), Labcorp).

NM_000069.3(CACNA1S):c.258+3A>G

Gene: CACNA1S (calcium voltage-gated channel subunit alpha1 S; minus strand). Cytogenetic location: 1q32.1.
Variant type: single nucleotide variant.
Coding change: c.258+3A>G on transcript NM_000069.3 (MANE Select); 3 bases into the intron after coding-DNA position 258, A replaced by G.
Molecular consequence: intron variant.
Genome position (GRCh38, 1-based): chr1:201,110,161, T>C on the plus strand (A>G on the coding strand, the complement: CACNA1S is on the minus strand). VCF-style: chr1-201110161-T-C. GRCh37 (hg19) VCF-style: chr1-201079289-T-C.
Other names: c.258+3A>G (NM_000069.2).
Identifiers: ClinVar variation 4794629 (VCV004794629.2).
Genomic context (GRCh38, chr1:201,110,161, plus strand): 5'-GGGGGCCTCCCCAAGCCTGGGGCTGCAGGCTCGCAGGAAGGGAGATGGAAGGGCCAATCT[T>C]ACCAGGCCGAGGTTCAGAGAGTTGTTGTCATCTTCCGGCATGGGCAGGTACACGGCCAGG-3'